The following is an entry in ClinVar:

NM_172364.5(CACNA2D4):c.1006G>A (p.Val336Ile)

Gene: CACNA2D4 (calcium voltage-gated channel auxiliary subunit alpha2delta 4; minus strand). Cytogenetic location: 12p13.33.
Variant type: single nucleotide variant.
Coding change: c.1006G>A on transcript NM_172364.5 (MANE Select); coding-DNA position 1006, G replaced by A.
Protein change: p.Val336Ile; replaces valine 336 with isoleucine.
Molecular consequence: missense variant.
Genome position (GRCh38, 1-based): chr12:1,886,027, C>T on the plus strand (G>A on the coding strand, the complement: CACNA2D4 is on the minus strand). VCF-style: chr12-1886027-C-T. GRCh37 (hg19) VCF-style: chr12-1995193-C-T.
Other names: c.1006G>A (NM_172364.4); short protein forms V336I.
Identifiers: ClinVar variation 1045615 (VCV001045615.12), dbSNP rs201441835, ClinGen allele CA6387321.

ClinVar aggregate classification (germline): Conflicting classifications of pathogenicity. Review status: criteria provided, conflicting classifications (1 of 4 stars). 3 submissions from 3 submitters: Uncertain significance (2); Likely benign (1). Last evaluated 2025-09-28.

Conditions:
Inborn genetic diseases. Identifiers: MedGen C0950123, MeSH D030342.

Allele frequency attached by ClinVar (database versions not stated): gnomAD 0.00003; gnomAD exomes 0.00003 and 0.00004; ExAC 0.00005; TOPMed 0.00006; ESP Exome Variant Server 0.00008; 1000 Genomes Project 30x 0.00016; 1000 Genomes Project 0.00020.
gnomAD v4.1: 44 of 1,612,826 alleles (0.0027%); highest among the groups gnomAD compares: Admixed American, 0.005%; no homozygotes.

Submissions (3):

Labcorp Genetics (formerly Invitae), Labcorp
Classification: Uncertain significance. Last evaluated: 2025-09-28. Review status: criteria provided, single submitter. Criteria: Invitae Variant Classification Sherloc (09022015). Collection method: clinical testing. Allele origin: germline.
Comment: This sequence change replaces valine, which is neutral and non-polar, with isoleucine, which is neutral and non-polar, at codon 336 of the CACNA2D4 protein (p.Val336Ile). This variant is present in population databases (rs201441835, gnomAD 0.009%). This variant has not been reported in the literature in individuals affected with CACNA2D4-related conditions. ClinVar contains an entry for this variant (Variation ID: 1045615). An algorithm developed to predict the effect of missense changes on protein structure and function outputs the following: PolyPhen-2: "Benign". The isoleucine amino acid residue is found in multiple mammalian species, which suggests that this missense change does not adversely affect protein function. In summary, the available evidence is currently insufficient to determine the role of this variant in disease. Therefore, it has been classified as a Variant of Uncertain Significance.

Ambry Genetics
Classification: Likely benign for Inborn genetic diseases. Last evaluated: 2023-05-30. Review status: criteria provided, single submitter. Criteria: Ambry Variant Classification Scheme 2023. Collection method: clinical testing. Allele origin: germline.

Blueprint Genetics
Classification: Uncertain significance. Last evaluated: 2023-05-08. Review status: criteria provided, single submitter. Criteria: ACMG Guidelines, 2015. Collection method: clinical testing. Allele origin: germline.